The following is an entry in ClinVar:

NM_001110556.2(FLNA):c.6863G>C (p.Arg2288Pro)

Gene: FLNA (filamin A; minus strand). Cytogenetic location: Xq28.
Variant type: single nucleotide variant.
Coding change: c.6863G>C on transcript NM_001110556.2 (MANE Select); coding-DNA position 6863, G replaced by C.
Protein change: p.Arg2288Pro; replaces arginine 2288 with proline.
Molecular consequence: missense variant.
Genome position (GRCh38, 1-based): chrX:154,351,928, C>G on the plus strand (G>C on the coding strand, the complement: FLNA is on the minus strand). VCF-style: chrX-154351928-C-G. GRCh37 (hg19) VCF-style: chrX-153580296-C-G.
Other names: c.6839G>C, p.Arg2280Pro (NM_001456.4); short protein forms R2280P, R2288P.
Identifiers: ClinVar variation 3390804 (VCV003390804.1).

ClinVar aggregate classification (germline): Uncertain significance (1 of 4 stars; one submission).

Submission:

GeneDx
Classification: Uncertain significance. Last evaluated: 2024-06-14. Review status: criteria provided, single submitter. Criteria: GeneDx Variant Classification Process June 2021. Collection method: clinical testing. Allele origin: germline. Affected: yes.
Comment: Not observed at significant frequency in large population cohorts (gnomAD); In silico analysis supports that this missense variant has a deleterious effect on protein structure/function; Has not been previously published as pathogenic or benign to our knowledge